The following is an entry in ClinVar:

ClinVar aggregate classification (germline): Uncertain significance (1 of 4 stars; one submission).

Allele frequency attached by ClinVar (database versions not stated): gnomAD exomes below 0.00001.
gnomAD v4.1: 1 of 1,554,862 alleles (0.000064%); highest among the groups gnomAD compares: Non-Finnish European, 0.000087%; no homozygotes.

Submission:

Labcorp Genetics (formerly Invitae), Labcorp
Classification: Uncertain significance. Last evaluated: 2022-10-13. Review status: criteria provided, single submitter. Criteria: Invitae Variant Classification Sherloc (09022015). Collection method: clinical testing. Allele origin: germline.
Comment: This sequence change replaces leucine, which is neutral and non-polar, with serine, which is neutral and polar, at codon 3063 of the ADGRV1 protein (p.Leu3063Ser). This variant is not present in population databases (gnomAD no frequency). This variant has not been reported in the literature in individuals affected with ADGRV1-related conditions. ClinVar contains an entry for this variant (Variation ID: 1493071). In summary, the available evidence is currently insufficient to determine the role of this variant in disease. Therefore, it has been classified as a Variant of Uncertain Significance. Advanced modeling of protein sequence and biophysical properties (such as structural, functional, and spatial information, amino acid conservation, physicochemical variation, residue mobility, and thermodynamic stability) performed at Invitae indicates that this missense variant is not expected to disrupt ADGRV1 protein function.

NM_032119.4(ADGRV1):c.9188T>C (p.Leu3063Ser)

Gene: ADGRV1 (adhesion G protein-coupled receptor V1; plus strand). Cytogenetic location: 5q14.3.
Variant type: single nucleotide variant.
Coding change: c.9188T>C on transcript NM_032119.4 (MANE Select); coding-DNA position 9188, T replaced by C.
Protein change: p.Leu3063Ser; replaces leucine 3063 with serine.
Molecular consequence: missense variant. On other transcripts: non-coding transcript variant (1).
Genome position (GRCh38, 1-based): chr5:90,716,470, T>C. VCF-style: chr5-90716470-T-C. GRCh37 (hg19) VCF-style: chr5-90012287-T-C.
Other names: short protein forms L3063S.
Identifiers: ClinVar variation 1493071 (VCV001493071.6), dbSNP rs1750123934, ClinGen allele CA360396970.